The following is an entry in ClinVar:

NM_000875.5(IGF1R):c.580_581del (p.Lys194fs)

Gene: IGF1R (insulin like growth factor 1 receptor; plus strand). Cytogenetic location: 15q26.3.
Variant type: Deletion.
Coding change: c.580_581del on transcript NM_000875.5 (MANE Select); coding-DNA positions 580 to 581, 2 bases deleted (AA; older notation c.580_581delAA).
Protein change: p.Lys194fs; shifts the reading frame from lysine 194.
Molecular consequence: frameshift variant.
Genome position (GRCh38, 1-based): chr15:98,708,047-98,708,048, AA deleted. VCF-style (leftmost placement, unchanged base first): chr15-98708046-GAA-G. GRCh37 (hg19) VCF-style: chr15-99251275-GAA-G.
Other names: c.580_581del, p.Lys194fs (NM_001291858.2); short protein forms K194fs.
Identifiers: ClinVar variation 691568 (VCV000691568.1), dbSNP rs1596214904, ClinGen allele CA915946166.

ClinVar aggregate classification (germline): Uncertain significance (1 of 4 stars; one submission).

Conditions:
Craniosynostosis syndrome. Also called: Craniosynostosis. Identifiers: Orphanet 1531, MedGen C0010278, MeSH D003398, MONDO:0015469, HP:0001363.

Allele frequency attached by ClinVar (database versions not stated): gnomAD exomes below 0.00001.

Submission:

Klinisk genetik och genomik Research, Gothenburg University
Classification: Uncertain significance for Craniosynostosis. Last evaluated: 2019-06-25. Review status: criteria provided, single submitter. Criteria: ACMG Guidelines, 2015. Collection method: research. Allele origin: germline. Affected: yes. Observed: 1 variant allele.

Literature cited by the submitters: PubMed 31837199.